The following is an entry in ClinVar:

NC_000006.11:g.(?_42666033)_(42672369_?)del

Gene: PRPH2 (peripherin 2; minus strand). Cytogenetic location: 6p21.1.
Variant type: Deletion.
Identifiers: ClinVar variation 2422886 (VCV002422886.4).

ClinVar aggregate classification (germline): Pathogenic (1 of 4 stars; one submission).

Conditions:
PRPH2-related disorder. Also called: PRPH2-related condition; PRPH2-related disorders. Identifiers: MedGen CN239395.

Submission:

Labcorp Genetics (formerly Invitae), Labcorp
Classification: Pathogenic for PRPH2-related disorder. Last evaluated: 2022-11-24. Review status: criteria provided, single submitter. Criteria: Invitae Variant Classification Sherloc (09022015). Collection method: clinical testing. Allele origin: germline.
Comment: For these reasons, this variant has been classified as Pathogenic. A similar copy number variant has been observed in individuals with macular dystrophy (PMID: 8602784). It has also been observed to segregate with disease in related individuals. This variant is a gross deletion of the genomic region encompassing exon(s) 2-3 of the PRPH2 gene, which includes the termination codon. This deletion extends beyond the assayed region for this gene and therefore may encompass additional genes. While this deletion is not anticipated to lead to nonsense mediated decay, it is expected to alter mRNA translation or result in a truncated protein product.

Literature cited by the submitters: PubMed 8602784.